The following is an entry in ClinVar:

NM_000533.5(PLP1):c.374dup (p.Ser126fs)

Genes: PLP1 (proteolipid protein 1; plus strand), RAB9B (RAB9B, member RAS oncogene family; minus strand). Cytogenetic location: Xq22.2.
Variant type: Duplication.
Coding change: c.374dup on transcript NM_000533.5 (MANE Select); coding-DNA position 374, one base duplicated (G; older notation c.374dupG).
Protein change: p.Ser126fs; shifts the reading frame from serine 126.
Molecular consequence: frameshift variant. On other transcripts: intron variant (1).
Genome position (GRCh38, 1-based): chrX:103,786,647, G duplicated; the last of 4 consecutive G bases (chrX:103,786,644-103,786,647); duplicating any one gives the same sequence. VCF-style (leftmost placement, unchanged base first): chrX-103786643-A-AG. GRCh37 (hg19) VCF-style: chrX-103041572-A-AG.
Other names: c.374dup, p.Ser126fs (NM_001128834.3); c.209dup, p.Ser71fs (NM_001305004.1); c.348+26dup (NM_199478.3); short protein forms S126fs, S71fs.
Identifiers: ClinVar variation 3721817 (VCV003721817.2).

ClinVar aggregate classification (germline): Pathogenic (1 of 4 stars; one submission).

Conditions:
Hereditary spastic paraplegia 2 (SPG2). Also called: Spastic Paraplegia 2 (SPG2); SPASTIC PARAPLEGIA 2, X-LINKED. Identifiers: Orphanet 99015, MedGen C0751604, MONDO:0010733, OMIM 312920.

Submission:

Labcorp Genetics (formerly Invitae), Labcorp
Classification: Pathogenic for Hereditary spastic paraplegia 2. Last evaluated: 2024-09-29. Review status: criteria provided, single submitter. Criteria: Invitae Variant Classification Sherloc (09022015). Collection method: clinical testing. Allele origin: germline.
Comment: This sequence change creates a premature translational stop signal (p.Ser126Phefs*78) in the PLP1 gene. It is expected to result in an absent or disrupted protein product. Loss-of-function variants in PLP1 are known to be pathogenic (PMID: 18470932). This variant is not present in population databases (gnomAD no frequency). This variant has not been reported in the literature in individuals affected with PLP1-related conditions. For these reasons, this variant has been classified as Pathogenic.

Literature cited by the submitters: PubMed 18470932.